The following is an entry in ClinVar:

ClinVar aggregate classification (germline): Uncertain significance (1 of 4 stars; one submission).

Submission:

Labcorp Genetics (formerly Invitae), Labcorp
Classification: Uncertain significance. Last evaluated: 2025-12-15. Review status: criteria provided, single submitter. Criteria: Invitae Variant Classification Sherloc (09022015). Collection method: clinical testing. Allele origin: germline.
Comment: This sequence change replaces arginine, which is basic and polar, with proline, which is neutral and non-polar, at codon 631 of the GUF1 protein (p.Arg631Pro). This variant is not present in population databases (gnomAD no frequency). This variant has not been reported in the literature in individuals affected with GUF1-related conditions. An algorithm developed to predict the effect of missense changes on protein structure and function (PolyPhen-2) suggests that this variant is likely to be disruptive. In summary, the available evidence is currently insufficient to determine the role of this variant in disease. Therefore, it has been classified as a Variant of Uncertain Significance.

NM_021927.3(GUF1):c.1892G>C (p.Arg631Pro)

Gene: GUF1 (GTP binding elongation factor GUF1; plus strand). Cytogenetic location: 4p12.
Variant type: single nucleotide variant.
Coding change: c.1892G>C on transcript NM_021927.3 (MANE Select); coding-DNA position 1892, G replaced by C.
Protein change: p.Arg631Pro; replaces arginine 631 with proline.
Molecular consequence: missense variant.
Genome position (GRCh38, 1-based): chr4:44,698,563, G>C. VCF-style: chr4-44698563-G-C. GRCh37 (hg19) VCF-style: chr4-44700580-G-C.
Other names: c.920G>C, p.Arg307Pro (NM_001345867.2, NM_001345869.2); c.1772G>C, p.Arg591Pro (NM_001345868.2); short protein forms R307P, R591P, R631P.
Identifiers: ClinVar variation 4811336 (VCV004811336.1).